The following is an entry in ClinVar:

NM_199355.4(ADAMTS18):c.1585G>A (p.Ala529Thr)

Gene: ADAMTS18 (ADAM metallopeptidase with thrombospondin type 1 motif 18; minus strand). Cytogenetic location: 16q23.1.
Variant type: single nucleotide variant.
Coding change: c.1585G>A on transcript NM_199355.4 (MANE Select); coding-DNA position 1585, G replaced by A.
Protein change: p.Ala529Thr; replaces alanine 529 with threonine.
Molecular consequence: missense variant.
Genome position (GRCh38, 1-based): chr16:77,353,762, C>T on the plus strand (G>A on the coding strand, the complement: ADAMTS18 is on the minus strand). VCF-style: chr16-77353762-C-T. GRCh37 (hg19) VCF-style: chr16-77387659-C-T.
Other names: c.1069G>A, p.Ala357Thr (NM_001326358.2); short protein forms A357T, A529T.
Identifiers: ClinVar variation 1513876 (VCV001513876.6), dbSNP rs2144713890, ClinGen allele CA396834407.
Genomic context (GRCh38, chr16:77,353,762, plus strand): 5'-AATGTAAGTTTGAAATCACAAGCAAACATACCTTCACAAAACCAAGGCTGCATAACTTGG[C>T]TTTTGCTCCAAATTGCCATTTACACTGTGTGTCAGCATCATAAATCTGTCCTGGTAGTTT-3'
Protein context (NP_955387.1, residues 519-539): TQCKWQFGAK[Ala529Thr]KLCSLGFVKD

ClinVar aggregate classification (germline): Uncertain significance (1 of 4 stars; one submission).

Allele frequency attached by ClinVar (database versions not stated): gnomAD exomes below 0.00001.

Submission:

Labcorp Genetics (formerly Invitae), Labcorp
Classification: Uncertain significance. Last evaluated: 2021-08-19. Review status: criteria provided, single submitter. Criteria: Invitae Variant Classification Sherloc (09022015). Collection method: clinical testing. Allele origin: germline.
Comment: In summary, the available evidence is currently insufficient to determine the role of this variant in disease. Therefore, it has been classified as a Variant of Uncertain Significance. Algorithms developed to predict the effect of missense changes on protein structure and function are either unavailable or do not agree on the potential impact of this missense change (SIFT: "Not Available"; PolyPhen-2: "Benign"; Align-GVGD: "Not Available"). This variant has not been reported in the literature in individuals affected with ADAMTS18-related conditions. This variant is not present in population databases (ExAC no frequency). This sequence change replaces alanine with threonine at codon 529 of the ADAMTS18 protein (p.Ala529Thr). The alanine residue is highly conserved and there is a small physicochemical difference between alanine and threonine.